The following is an entry in ClinVar:

ClinVar aggregate classification (germline): Benign. Review status: criteria provided, multiple submitters, no conflicts (2 of 4 stars). 11 submissions from 8 submitters: Benign (10). 1 of the submissions does not count toward it. Last evaluated 2026-02-04.

Conditions:
Autosomal recessive cerebellar ataxia. Also called: Spinocerebellar Ataxia, Recessive; Spinocerebellar ataxia, autosomal recessive. Identifiers: Orphanet 1172, MedGen C5575375, MONDO:0015244.
Infantile onset spinocerebellar ataxia (MTDPS7). Also called: SPINOCEREBELLAR ATAXIA, INFANTILE, WITH SENSORY NEUROPATHY; Mitochondrial DNA depletion syndrome 7 (hepatocerebral type); OPHTHALMOPLEGIA, HYPOTONIA, ATAXIA, HYPOACUSIS, AND ATHETOSIS; OHAHA SYNDROME. Identifiers: Orphanet 1186, MedGen C1849096, MONDO:0010060, OMIM 271245.
Sensory ataxic neuropathy, dysarthria, and ophthalmoparesis (SANDO). Also called: Ataxia Neuropathy Spectrum (ANS); Sensory ataxic neuropathy-dysarthria-ophthalmoparesis syndrome; SENSORY ATAXIC NEUROPATHY WITH MITOCHONDRIAL DNA DELETIONS, AUTOSOMAL RECESSIVE; Epilepsy, progressive myoclonic, type 5. Identifiers: Orphanet 70595, MedGen C1843851, MONDO:0011835, OMIM 607459.
Progressive external ophthalmoplegia with mitochondrial DNA deletions, autosomal dominant 3. Also called: PROGRESSIVE EXTERNAL OPHTHALMOPLEGIA, AUTOSOMAL DOMINANT 3. Identifiers: MedGen C1836439, MONDO:0012241, OMIM 609286.

Allele frequency attached by ClinVar (database versions not stated): gnomAD exomes 0.23016 and 0.27429; ESP Exome Variant Server 0.25819; ExAC 0.27515; gnomAD 0.28642 and 0.28935; TOPMed 0.30989; 1000 Genomes Project 30x 0.37258; 1000 Genomes Project 0.37600.
gnomAD v4.1: 380,803 of 1,611,850 alleles (24%); highest among the groups gnomAD compares: East Asian, 55%; 51,486 homozygotes.

Submissions (11):

Labcorp Genetics (formerly Invitae), Labcorp
Classification: Benign. Last evaluated: 2026-02-04. Review status: criteria provided, single submitter. Criteria: Invitae Variant Classification Sherloc (09022015). Collection method: clinical testing. Allele origin: germline.

Blueprint Genetics
Classification: Benign. Last evaluated: 2024-11-27. Review status: criteria provided, single submitter. Criteria: ACMG Guidelines, 2015. Collection method: clinical testing. Allele origin: germline.

Illumina Laboratory Services, Illumina
Classification: Benign for Sensory ataxic neuropathy-dysarthria-ophthalmoparesis syndrome. Last evaluated: 2018-01-13. Review status: criteria provided, single submitter. Criteria: ICSL Variant Classification Criteria 13 December 2019. Collection method: clinical testing. Allele origin: germline.
Comment: This variant was observed in the ICSL laboratory as part of a predisposition screen in an ostensibly healthy population. It had not been previously curated by ICSL or reported in the Human Gene Mutation Database (HGMD: prior to June 1st, 2018), and was therefore a candidate for classification through an automated scoring system. Utilizing variant allele frequency, disease prevalence and penetrance estimates, and inheritance mode, an automated score was calculated to assess if this variant is too frequent to cause the disease. Based on the score and internal cut-off values, a variant classified as benign is not then subjected to further curation. The score for this variant resulted in a classification of benign for this disease.

Illumina Laboratory Services, Illumina
Classification: Benign for Progressive external ophthalmoplegia with mitochondrial DNA deletions, autosomal dominant 3. Last evaluated: 2018-01-13. Review status: criteria provided, single submitter. Criteria: ICSL Variant Classification Criteria 13 December 2019. Collection method: clinical testing. Allele origin: germline.
Comment: the same text as in the submission from Illumina Laboratory Services, Illumina above.

Illumina Laboratory Services, Illumina
Classification: Benign for Infantile onset spinocerebellar ataxia. Last evaluated: 2018-01-13. Review status: criteria provided, single submitter. Criteria: ICSL Variant Classification Criteria 13 December 2019. Collection method: clinical testing. Allele origin: germline.
Comment: the same text as in the submission from Illumina Laboratory Services, Illumina above.

Illumina Laboratory Services, Illumina
Classification: Benign for Autosomal recessive cerebellar ataxia. Last evaluated: 2018-01-13. Review status: criteria provided, single submitter. Criteria: ICSL Variant Classification Criteria 13 December 2019. Collection method: clinical testing. Allele origin: germline.
Comment: the same text as in the submission from Illumina Laboratory Services, Illumina above.

Athena Diagnostics
Classification: Benign. Last evaluated: 2017-07-26. Review status: criteria provided, single submitter. Criteria: Athena Diagnostics Criteria. Collection method: clinical testing. Allele origin: germline.

GeneDx
Classification: Benign. Last evaluated: 2011-07-01. Review status: criteria provided, single submitter. Criteria: GeneDx Variant Classification (06012015). Collection method: clinical testing. Allele origin: germline. Affected: yes.
Comment: This variant is considered likely benign or benign based on one or more of the following criteria: it is a conservative change, it occurs at a poorly conserved position in the protein, it is predicted to be benign by multiple in silico algorithms, and/or has population frequency not consistent with disease.

Breakthrough Genomics
Classification: Benign. Review status: criteria provided, single submitter. Criteria: ACMG Guidelines, 2015. Collection method: not provided. Allele origin: germline. Inheritance: Autosomal recessive inheritance. Affected: yes.

PreventionGenetics, part of Exact Sciences
Classification: Benign. Review status: criteria provided, single submitter. Criteria: ACMG Guidelines, 2015. Collection method: clinical testing. Allele origin: germline.

Mayo Clinic Laboratories, Mayo Clinic
Classification: Benign. Last evaluated: 2016-02-11. Review status: no assertion criteria provided. Collection method: clinical testing. Allele origin: unknown. Not counted in ClinVar's aggregate classification.

NM_021830.5(TWNK):c.1593-5C>T

Gene: TWNK (twinkle mtDNA helicase; plus strand). Cytogenetic location: 10q24.31.
Variant type: single nucleotide variant.
Coding change: c.1593-5C>T on transcript NM_021830.5 (MANE Select); 5 bases into the intron before coding-DNA position 1593, C replaced by T.
Molecular consequence: intron variant.
Genome position (GRCh38, 1-based): chr10:100,990,864, C>T. VCF-style: chr10-100990864-C-T. GRCh37 (hg19) VCF-style: chr10-102750621-C-T.
Other names: c.1593-5C>T (NM_001163812.2); c.231-5C>T (NM_001163814.2, NM_001163813.2, NM_001368275.1).
Identifiers: ClinVar variation 136589 (VCV000136589.21), dbSNP rs3740485, ClinGen allele CA289757.